The following is an entry in ClinVar:

ClinVar aggregate classification (germline): Uncertain significance. Review status: criteria provided, multiple submitters, no conflicts (2 of 4 stars). 4 submissions from 4 submitters: Uncertain significance (4). Last evaluated 2026-08-25.

Conditions:
RP1-related disorder. Also called: RP1-related condition.

Allele frequency attached by ClinVar (database versions not stated): TOPMed 0.00005.
gnomAD v4.1: 38 of 1,613,628 alleles (0.0024%); highest among the groups gnomAD compares: Admixed American, 0.047%; no homozygotes.

Submissions (4):

PreventionGenetics, part of Exact Sciences
Classification: Uncertain significance for RP1-related condition. Last evaluated: 2026-08-25. Review status: criteria provided, single submitter. Criteria: ACMG Guidelines, 2015. Collection method: clinical testing. Allele origin: germline.
Comment: The RP1 c.1989G>T variant is predicted to result in the amino acid substitution p.Lys663Asn. This variant has been reported in an individual with presumed autosomal dominant retinitis pigmentosa (Bowne et al. 1999. PubMed ID: 10484783). However, this variant is present in 0.057% of alleles in individuals of Latino descent in gnomAD. At this time, the clinical significance of this variant is uncertain due to the absence of conclusive functional and genetic evidence.

Labcorp Genetics (formerly Invitae), Labcorp
Classification: Uncertain significance. Last evaluated: 2025-10-20. Review status: criteria provided, single submitter. Criteria: Invitae Variant Classification Sherloc (09022015). Collection method: clinical testing. Allele origin: germline.
Comment: This sequence change replaces lysine, which is basic and polar, with asparagine, which is neutral and polar, at codon 663 of the RP1 protein (p.Lys663Asn). The frequency data for this variant in the population databases is considered unreliable, as metrics indicate poor data quality at this position in the gnomAD database. This missense change has been observed in individuals with clinical features of autosomal dominant retinitis pigmentosa (PMID: 10484783; internal data). ClinVar contains an entry for this variant (Variation ID: 596491). An algorithm developed to predict the effect of missense changes on protein structure and function (PolyPhen-2) suggests that this variant is likely to be tolerated. In summary, the available evidence is currently insufficient to determine the role of this variant in disease. Therefore, it has been classified as a Variant of Uncertain Significance.

Blueprint Genetics
Classification: Uncertain significance. Last evaluated: 2022-01-06. Review status: criteria provided, single submitter. Criteria: ACMG Guidelines, 2015. Collection method: clinical testing. Allele origin: germline.

Eurofins Ntd Llc (ga)
Classification: Uncertain significance. Last evaluated: 2018-04-03. Review status: criteria provided, single submitter. Criteria: EGL ClinVar v180209 classification definitions. Collection method: clinical testing. Allele origin: germline. Observed: 1 variant allele, 1 heterozygote.

Literature cited by the submitters: PubMed 10484783 (cited by Labcorp Genetics (formerly Invitae), Labcorp).

NM_006269.2(RP1):c.1989G>T (p.Lys663Asn)

Gene: RP1 (RP1 axonemal microtubule associated; plus strand). Cytogenetic location: 8q12.1.
Variant type: single nucleotide variant.
Coding change: c.1989G>T on transcript NM_006269.2 (MANE Select); coding-DNA position 1989, G replaced by T.
Protein change: p.Lys663Asn; replaces lysine 663 with asparagine.
Molecular consequence: missense variant.
Genome position (GRCh38, 1-based): chr8:54,625,871, G>T. VCF-style: chr8-54625871-G-T. GRCh37 (hg19) VCF-style: chr8-55538431-G-T.
Other names: short protein forms K663N.
Identifiers: ClinVar variation 596491 (VCV000596491.14), dbSNP rs372551375, ClinGen allele CA4751459.
Genomic context (GRCh38, chr8:54,625,871, plus strand): 5'-CAGACTAATTAATGAATTTGCTCAGTGTGGTTTAACAAAACTTCCAAAAAATGAAAAGAA[G>T]ATTTTGTCATCTGTTGCCAGCAAAAAGAAGAAAAAATCTCGACAGCAAGCAATAAATTCC-3'
Protein context (NP_006260.1, residues 653-673): GLTKLPKNEK[Lys663Asn]ILSSVASKKK